The following is an entry in ClinVar:

NM_001165963.4(SCN1A):c.3514G>T (p.Glu1172Ter)

Genes: SCN1A (sodium voltage-gated channel alpha subunit 1; minus strand), LOC102724058 (uncharacterized LOC102724058; plus strand). Cytogenetic location: 2q24.3.
Variant type: single nucleotide variant.
Coding change: c.3514G>T on transcript NM_001165963.4 (MANE Select); coding-DNA position 3514, G replaced by T.
Protein change: p.Glu1172Ter; replaces glutamic acid 1172 with a stop codon.
Molecular consequence: nonsense. On other transcripts: non-coding transcript variant (2).
Genome position (GRCh38, 1-based): chr2:166,015,643, C>A on the plus strand (G>T on the coding strand, the complement: SCN1A is on the minus strand). VCF-style: chr2-166015643-C-A. GRCh37 (hg19) VCF-style: chr2-166872153-C-A.
Other names: c.3430G>T, p.Glu1144Ter (NM_001165964.3, NM_001353957.2, NM_001353958.2); c.3514G>T, p.Glu1172Ter (NM_001202435.3, NM_001353948.2); c.3481G>T, p.Glu1161Ter (NM_001353949.2, NM_001353950.2, NM_001353951.2 and 2 more transcripts); c.3478G>T, p.Glu1160Ter (NM_001353954.2, NM_001353955.2); c.3427G>T, p.Glu1143Ter (NM_001353960.2); c.1072G>T, p.Glu358Ter (NM_001353961.2); short protein forms E1143*, E1144*, E1160*, E1161*, E1172*, E358*.
Identifiers: ClinVar variation 4890726 (VCV004890726.1).

ClinVar aggregate classification (germline): Likely pathogenic (1 of 4 stars; one submission).

Conditions:
Severe myoclonic epilepsy in infancy (DRVT). Also called: Dravet syndrome; SEVERE MYOCLONIC EPILEPSY OF INFANCY; DEVELOPMENTAL AND EPILEPTIC ENCEPHALOPATHY 6A; Severe Myoclonic Epilepsy in Infancy (SMEI); Epileptic encephalopathy, early infantile, 6 (Dravet syndrome). Identifiers: Orphanet 33069, MedGen C0751122, MONDO:0100135, OMIM 607208.

Submission:

Institute of Human Genetics, University of Leipzig Medical Center
Classification: Likely pathogenic for Severe myoclonic epilepsy in infancy. Last evaluated: 2026-07-27. Review status: criteria provided, single submitter. Criteria: ACMG Guidelines, 2015. Collection method: clinical testing. Allele origin: unknown. Inheritance: Autosomal dominant inheritance. Affected: yes.
Comment: Criteria applied: PVS1,PM2_SUP